The following is an entry in ClinVar:

NM_138694.4(PKHD1):c.*2564A>G

Gene: PKHD1 (PKHD1 ciliary IPT domain containing fibrocystin/polyductin; minus strand). Cytogenetic location: 6p12.3.
Variant type: single nucleotide variant.
Coding change: c.*2564A>G on transcript NM_138694.4 (MANE Select); 2564 bases downstream of the stop codon, A replaced by G.
Molecular consequence: 3 prime UTR variant.
Genome position (GRCh38, 1-based): chr6:51,616,517, T>C on the plus strand (A>G on the coding strand, the complement: PKHD1 is on the minus strand). VCF-style: chr6-51616517-T-C. GRCh37 (hg19) VCF-style: chr6-51481315-T-C.
Identifiers: ClinVar variation 357368 (VCV000357368.6), dbSNP rs1414504, ClinGen allele CA10627170.
Genomic context (GRCh38, chr6:51,616,517, plus strand): 5'-TTGGCTCATCTCCAGACATGAATGAACATAGAGCTGCTCTCTTTGCTTTTGGTGTTTCCC[T>C]AATTCTCTCATTTTTTTTTTTTTTTAGGAGAAAGAGGAGTAGCTTAACTATGGGTTGAGG-3'

ClinVar aggregate classification (germline): Benign. Review status: criteria provided, multiple submitters, no conflicts (2 of 4 stars). 2 submissions from 2 submitters: Benign (2). Last evaluated 2018-01-13.

Conditions:
Autosomal recessive polycystic kidney disease (ARPKD). Also called: AR polycystic kidney disease. Identifiers: Orphanet 731, Orphanet 8378, MedGen C0085548, MeSH D017044, MONDO:0009889.

Allele frequency attached by ClinVar (database versions not stated): gnomAD exomes 0.87259; gnomAD 0.87983 and 0.88144; TOPMed 0.88278; 1000 Genomes Project 0.88339; 1000 Genomes Project 30x 0.88351.
gnomAD v4.1: 341,367 of 390,168 alleles (87%); highest among the groups gnomAD compares: African/African-American, 92%; 149,648 homozygotes.

Submissions (2):

Illumina Laboratory Services, Illumina
Classification: Benign for Polycystic kidney disease 4. Last evaluated: 2018-01-13. Review status: criteria provided, single submitter. Criteria: ICSL Variant Classification Criteria 13 December 2019. Collection method: clinical testing. Allele origin: germline.
Comment: This variant was observed in the ICSL laboratory as part of a predisposition screen in an ostensibly healthy population. It had not been previously curated by ICSL or reported in the Human Gene Mutation Database (HGMD: prior to June 1st, 2018), and was therefore a candidate for classification through an automated scoring system. Utilizing variant allele frequency, disease prevalence and penetrance estimates, and inheritance mode, an automated score was calculated to assess if this variant is too frequent to cause the disease. Based on the score and internal cut-off values, a variant classified as benign is not then subjected to further curation. The score for this variant resulted in a classification of benign for this disease.

Department of Pathology and Laboratory Medicine, Sinai Health System
Classification: Benign for autosomal recessive polycystic kidney disease. Last evaluated: 2016-02-19. Review status: criteria provided, single submitter. Criteria: ACMG Guidelines, 2015. Collection method: clinical testing. Allele origin: germline.